The following is an entry in ClinVar:

NM_018076.5(ODAD2):c.1102G>C (p.Glu368Gln)

Gene: ODAD2 (outer dynein arm docking complex subunit 2; minus strand). Cytogenetic location: 10p12.1.
Variant type: single nucleotide variant.
Coding change: c.1102G>C on transcript NM_018076.5 (MANE Select); coding-DNA position 1102, G replaced by C.
Protein change: p.Glu368Gln; replaces glutamic acid 368 with glutamine.
Molecular consequence: missense variant. On other transcripts: intron variant (1).
Genome position (GRCh38, 1-based): chr10:27,971,148, C>G on the plus strand (G>C on the coding strand, the complement: ODAD2 is on the minus strand). VCF-style: chr10-27971148-C-G. GRCh37 (hg19) VCF-style: chr10-28260077-C-G.
Other names: c.1102G>C, p.Glu368Gln (NM_001290020.2); c.178G>C, p.Glu60Gln (NM_001312689.2); c.-187-9433G>C (NM_001290021.2); short protein forms E368Q, E60Q.
Identifiers: ClinVar variation 541495 (VCV000541495.8), dbSNP rs775228185, ClinGen allele CA5453639.

ClinVar aggregate classification (germline): Conflicting classifications of pathogenicity. Review status: criteria provided, conflicting classifications (1 of 4 stars). 2 submissions from 2 submitters: Uncertain significance (1); Likely benign (1). Last evaluated 2025-11-03.

Conditions:
Primary ciliary dyskinesia 23 (CILD23). Also called: CILIARY DYSKINESIA, PRIMARY, 23, WITH OR WITHOUT SITUS INVERSUS. Identifiers: Orphanet 244, MedGen C3809548, MONDO:0014193, OMIM 615451.

Allele frequency attached by ClinVar (database versions not stated): ExAC 0.00002; gnomAD 0.00002 and 0.00003; TOPMed 0.00002.
gnomAD v4.1: 8 of 1,613,722 alleles (0.0005%); highest among the groups gnomAD compares: Admixed American, 0.0067%; no homozygotes.

Submissions (2):

Labcorp Genetics (formerly Invitae), Labcorp
Classification: Uncertain significance for Primary ciliary dyskinesia 23. Last evaluated: 2025-11-03. Review status: criteria provided, single submitter. Criteria: Invitae Variant Classification Sherloc (09022015). Collection method: clinical testing. Allele origin: germline.
Comment: This sequence change replaces glutamic acid, which is acidic and polar, with glutamine, which is neutral and polar, at codon 368 of the ARMC4 protein (p.Glu368Gln). This variant is present in population databases (rs775228185, gnomAD 0.005%). This variant has not been reported in the literature in individuals affected with ARMC4-related conditions. ClinVar contains an entry for this variant (Variation ID: 541495). An algorithm developed to predict the effect of missense changes on protein structure and function outputs the following: PolyPhen-2: "Benign". The glutamine amino acid residue is found in multiple mammalian species, which suggests that this missense change does not adversely affect protein function. In summary, the available evidence is currently insufficient to determine the role of this variant in disease. Therefore, it has been classified as a Variant of Uncertain Significance.

Blueprint Genetics
Classification: Likely benign. Last evaluated: 2024-11-06. Review status: criteria provided, single submitter. Criteria: ACMG Guidelines, 2015. Collection method: clinical testing. Allele origin: germline.